The following is an entry in ClinVar:

NM_014270.5(SLC7A9):c.1403C>T (p.Pro468Leu)

Gene: SLC7A9 (solute carrier family 7 member 9; minus strand). Cytogenetic location: 19q13.11.
Variant type: single nucleotide variant.
Coding change: c.1403C>T on transcript NM_014270.5 (MANE Select); coding-DNA position 1403, C replaced by T.
Protein change: p.Pro468Leu; replaces proline 468 with leucine.
Molecular consequence: missense variant.
Genome position (GRCh38, 1-based): chr19:32,830,681, G>A on the plus strand (C>T on the coding strand, the complement: SLC7A9 is on the minus strand). VCF-style: chr19-32830681-G-A. GRCh37 (hg19) VCF-style: chr19-33321587-G-A.
Other names: c.1403C>T, p.Pro468Leu (NM_001126335.2, NM_001243036.2); short protein forms P468L.
Identifiers: ClinVar variation 328743 (VCV000328743.18), dbSNP rs80283711, ClinGen allele CA9358395.

ClinVar aggregate classification (germline): Benign/Likely benign. Review status: criteria provided, multiple submitters, no conflicts (2 of 4 stars). 4 submissions from 4 submitters: Benign (1); Likely benign (2). 1 of the submissions does not count toward it. Last evaluated 2026-01-18.

Conditions:
Cystinuria (CSNU). Also called: CYSTINURIA, TYPE I; CYSTINURIA, TYPE II; CYSTINURIA, TYPE III; Cystinuria, non-type I. Identifiers: Orphanet 214, MedGen C0010691, MONDO:0009067, OMIM 220100, HP:0003131.

Allele frequency attached by ClinVar (database versions not stated): ESP Exome Variant Server 0.00015; gnomAD 0.00089 and 0.00109; TOPMed 0.00176; ExAC 0.00274; gnomAD exomes 0.00317; 1000 Genomes Project 30x 0.00375; 1000 Genomes Project 0.00419.
gnomAD v4.1: 1,684 of 1,613,602 alleles (0.1%); highest among the groups gnomAD compares: Admixed American, 1.4%; 15 homozygotes.

Submissions (4):

Labcorp Genetics (formerly Invitae), Labcorp
Classification: Benign. Last evaluated: 2026-01-18. Review status: criteria provided, single submitter. Criteria: Invitae Variant Classification Sherloc (09022015). Collection method: clinical testing. Allele origin: germline.

Illumina Laboratory Services, Illumina
Classification: Likely benign for Cystinuria. Last evaluated: 2018-01-13. Review status: criteria provided, single submitter. Criteria: ICSL Variant Classification Criteria 13 December 2019. Collection method: clinical testing. Allele origin: germline.
Comment: This variant was observed in the ICSL laboratory as part of a predisposition screen in an ostensibly healthy population. It had not been previously curated by ICSL or reported in the Human Gene Mutation Database (HGMD: prior to June 1st, 2018), and was therefore a candidate for classification through an automated scoring system. Utilizing variant allele frequency, disease prevalence and penetrance estimates, and inheritance mode, an automated score was calculated to assess if this variant is too frequent to cause the disease. Based on the score and internal cut-off values, a variant classified as likely benign is not then subjected to further curation. The score for this variant resulted in a classification of likely benign for this disease.

Breakthrough Genomics
Classification: Likely benign. Review status: criteria provided, single submitter. Criteria: ACMG Guidelines, 2015. Collection method: not provided. Allele origin: germline. Inheritance: Autosomal dominant inheritance. Affected: yes.

Chinese Inherited Urolithiasis Consortium, The Affiliated Yantai Yuhuangding Hospital of Qingdao University
Classification: Likely pathogenic for Cystinuria. Last evaluated: 2024-08-26. Review status: no assertion criteria provided. Collection method: clinical testing. Allele origin: maternal. Affected: yes. Observed: 1 variant allele. Not counted in ClinVar's aggregate classification.